The following is an entry in ClinVar:

NM_017654.4(SAMD9):c.2454del (p.Ile818fs)

Gene: SAMD9 (sterile alpha motif domain containing 9; minus strand). Cytogenetic location: 7q21.2.
Variant type: Deletion.
Coding change: c.2454del on transcript NM_017654.4 (MANE Select); coding-DNA position 2454, one base deleted (A; older notation c.2454delA).
Protein change: p.Ile818fs; shifts the reading frame from isoleucine 818.
Molecular consequence: frameshift variant.
Genome position (GRCh38, 1-based): chr7:93,103,644, T deleted on the plus strand (A on the coding strand, the reverse complement: SAMD9 is on the minus strand). VCF-style (leftmost placement, unchanged base first): chr7-93103643-CT-C. GRCh37 (hg19) VCF-style: chr7-92732956-CT-C.
Other names: c.2454del, p.Ile818fs (NM_001193307.2); short protein forms I818fs.
Identifiers: ClinVar variation 5003646 (VCV005003646.1).

ClinVar aggregate classification (germline): Uncertain significance (1 of 4 stars; one submission).

Conditions:
Normophosphatemic familial tumoral calcinosis. Also called: CALCINOSIS, TUMORAL, WITH NORMOPHOSPHATEMIA. Identifiers: Orphanet 306658, Orphanet 53715, MedGen C1864861, MONDO:0012502, OMIM 610455.

Submission:

Myriad Genetics, Inc.
Classification: Uncertain significance for Normophosphatemic familial tumoral calcinosis. Last evaluated: 2026-08-27. Review status: criteria provided, single submitter. Criteria: Myriad Autosomal Dominant, Autosomal Recessive and X-Linked Classification Criteria (2023). Collection method: clinical testing. Allele origin: unknown.
Comment: NM_017654.3(SAMD9):c.2454delA(I818Mfs*13) is a frameshift variant classified as a variant of uncertain significance in the context of normophosphatemic familial tumoral calcinosis. I818Mfs*13 has not been observed in cases with relevant disease. Relevant functional assessments of this variant are not available in the literature. I818Mfs*13 has been observed in referenced population frequency databases. In summary, there is insufficient evidence to classify NM_017654.3(SAMD9):c.2454delA(I818Mfs*13) as pathogenic or benign. Please note: this variant was assessed in the context of healthy population screening.